The following is an entry in ClinVar:

NM_002691.4(POLD1):c.2585C>A (p.Ala862Asp)

Gene: POLD1 (DNA polymerase delta 1, catalytic subunit; plus strand). Cytogenetic location: 19q13.33.
Variant type: single nucleotide variant.
Coding change: c.2585C>A on transcript NM_002691.4 (MANE Select); coding-DNA position 2585, C replaced by A.
Protein change: p.Ala862Asp; replaces alanine 862 with aspartic acid.
Molecular consequence: missense variant. On other transcripts: non-coding transcript variant (1).
Genome position (GRCh38, 1-based): chr19:50,415,458, C>A. VCF-style: chr19-50415458-C-A. GRCh37 (hg19) VCF-style: chr19-50918715-C-A.
Other names: c.2585C>A, p.Ala862Asp (NM_001256849.1); c.2663C>A, p.Ala888Asp (NM_001308632.1); c.2585C>A (NM_002691.2); short protein forms A862D, A888D.
Identifiers: ClinVar variation 1014684 (VCV001014684.10), dbSNP rs2039244251, ClinGen allele CA406985330.

ClinVar aggregate classification (germline): Uncertain significance. Review status: criteria provided, multiple submitters, no conflicts (2 of 4 stars). 2 submissions from 2 submitters: Uncertain significance (2). Last evaluated 2025-08-29.

Conditions:
Hereditary cancer-predisposing syndrome. Also called: Tumor predisposition; Hereditary Cancer Syndrome; Hereditary neoplastic syndrome; Neoplastic Syndromes, Hereditary. Identifiers: Orphanet 140162, MedGen C0027672, MeSH D009386, MONDO:0015356.
POLD1-related polyposis and colorectal cancer syndrome (CRCS10). Also called: Colorectal cancer 10; COLORECTAL CANCER, SUSCEPTIBILITY TO, ON CHROMOSOME 19q; Colorectal cancer, susceptibility to, 10. Identifiers: Orphanet 220460, MedGen C2675481, MONDO:0012953, OMIM 612591.

Submissions (2):

Ambry Genetics
Classification: Uncertain significance for Hereditary cancer-predisposing syndrome. Last evaluated: 2025-08-29. Review status: criteria provided, single submitter. Criteria: Ambry Variant Classification Scheme 2023. Collection method: clinical testing. Allele origin: germline.
Comment: The p.A862D variant (also known as c.2585C>A), located in coding exon 20 of the POLD1 gene, results from a C to A substitution at nucleotide position 2585. The alanine at codon 862 is replaced by aspartic acid, an amino acid with dissimilar properties. This amino acid position is conserved. In addition, this alteration is predicted to be tolerated by in silico analysis. Based on the available evidence, the clinical significance of this variant remains unclear.

Labcorp Genetics (formerly Invitae), Labcorp
Classification: Uncertain significance for POLD1-related polyposis and colorectal cancer syndrome. Last evaluated: 2020-02-05. Review status: criteria provided, single submitter. Criteria: Invitae Variant Classification Sherloc (09022015). Collection method: clinical testing. Allele origin: germline.
Comment: This variant has not been reported in the literature in individuals with POLD1-related conditions. Algorithms developed to predict the effect of missense changes on protein structure and function (SIFT, PolyPhen-2, Align-GVGD) all suggest that this variant is likely to be tolerated, but these predictions have not been confirmed by published functional studies and their clinical significance is uncertain. In summary, the available evidence is currently insufficient to determine the role of this variant in disease. Therefore, it has been classified as a Variant of Uncertain Significance. This sequence change replaces alanine with aspartic acid at codon 862 of the POLD1 protein (p.Ala862Asp). The alanine residue is weakly conserved and there is a moderate physicochemical difference between alanine and aspartic acid. This variant is not present in population databases (ExAC no frequency).